The following is an entry in ClinVar:

ClinVar aggregate classification (germline): Conflicting classifications of pathogenicity. Review status: criteria provided, conflicting classifications (1 of 4 stars). 5 submissions from 5 submitters: Uncertain significance (1); Likely benign (4). Last evaluated 2025-12-22.

Allele frequency attached by ClinVar (database versions not stated): TOPMed 0.00101; ESP Exome Variant Server 0.00123; 1000 Genomes Project 30x 0.00016; 1000 Genomes Project 0.00020; gnomAD exomes 0.00024; ExAC 0.00034; gnomAD 0.00067.
gnomAD v4.1: 260 of 1,613,964 alleles (0.016%); highest among the groups gnomAD compares: African/African-American, 0.31%; no homozygotes.

Submissions (5):

Labcorp Genetics (formerly Invitae), Labcorp
Classification: Likely benign. Last evaluated: 2025-12-22. Review status: criteria provided, single submitter. Criteria: Invitae Variant Classification Sherloc (09022015). Collection method: clinical testing. Allele origin: germline.

GeneDx
Classification: Likely benign. Last evaluated: 2020-09-02. Review status: criteria provided, single submitter. Criteria: GeneDx Variant Classification Process June 2021. Collection method: clinical testing. Allele origin: germline. Affected: yes.

Athena Diagnostics
Classification: Likely benign. Last evaluated: 2018-11-14. Review status: criteria provided, single submitter. Criteria: Athena Diagnostics Criteria. Collection method: clinical testing. Allele origin: germline.

Laboratory for Molecular Medicine, Mass General Brigham Personalized Medicine
Classification: Likely benign. Last evaluated: 2018-01-30. Review status: criteria provided, single submitter. Criteria: LMM Criteria. Collection method: clinical testing. Allele origin: germline. Observed: 1 variant allele.
Comment: Arg79Gln in Exon 05 of OTOA: This variant is not expected to have clinical signi ficance because it has been identified in 0.3% (75/24018) of African chromosomes by the Genome Aggregation Database (gnomAD; d bSNP rs147088274).

Center for Pediatric Genomic Medicine, Children's Mercy Hospital and Clinics
Classification: Uncertain significance. Last evaluated: 2017-04-11. Review status: criteria provided, single submitter. Criteria: ACMG Guidelines, 2015. Collection method: clinical testing. Allele origin: germline.

NM_144672.4(OTOA):c.236G>A (p.Arg79Gln)

Gene: OTOA (otoancorin). Cytogenetic location: 16p12.2.
Variant type: single nucleotide variant.
Coding change: c.236G>A on transcript NM_144672.4 (MANE Select); coding-DNA position 236, G replaced by A.
Protein change: p.Arg79Gln; replaces arginine 79 with glutamine.
Molecular consequence: missense variant.
Genome position (GRCh38, 1-based): chr16:21,681,794, G>A. VCF-style: chr16-21681794-G-A. GRCh37 (hg19) VCF-style: chr16-21693115-G-A.
Other names: short protein forms R79Q.
Identifiers: ClinVar variation 445874 (VCV000445874.18), dbSNP rs147088274, ClinGen allele CA7952230.
Genomic context (GRCh38, chr16:21,681,794, plus strand): 5'-GAAGCTCCCACGTGTGGACGGATGACCTGTCCCACAGAGTCCTGGCCTATCTGAATTCCC[G>A]GAATGTTGCCTTCACCATCCCCAGCCTGCAGGTGTGTACCTGAGACCCATCTATATGTTC-3'
Protein context (NP_653273.3, residues 69-89): SHRVLAYLNS[Arg79Gln]NVAFTIPSLQ